The following is an entry in ClinVar:

ClinVar aggregate classification (germline): Uncertain significance. Review status: criteria provided, multiple submitters, no conflicts (2 of 4 stars). 5 submissions from 5 submitters: Uncertain significance (5). Last evaluated 2025-03-19.

Conditions:
Polyposis syndrome, hereditary mixed, 2. Identifiers: Orphanet 157794, MedGen C1864730, MONDO:0012405, OMIM 610069.
Juvenile polyposis syndrome (JPS). Identifiers: Orphanet 2929, MedGen C0345893, MONDO:0017380, OMIM 174900.
Hereditary cancer-predisposing syndrome. Also called: Hereditary neoplastic syndrome; Neoplastic Syndromes, Hereditary; Tumor predisposition; Hereditary Cancer Syndrome. Identifiers: Orphanet 140162, MedGen C0027672, MeSH D009386, MONDO:0015356.

Allele frequency attached by ClinVar (database versions not stated): gnomAD exomes below 0.00001; TOPMed 0.00001.
gnomAD v4.1: 6 of 1,610,366 alleles (0.00037%); highest among the groups gnomAD compares: East Asian, 0.0022%; no homozygotes.

Submissions (5):

Labcorp Genetics (formerly Invitae), Labcorp
Classification: Uncertain significance for Juvenile polyposis syndrome. Last evaluated: 2025-03-19. Review status: criteria provided, single submitter. Criteria: Invitae Variant Classification Sherloc (09022015). Collection method: clinical testing. Allele origin: germline.
Comment: This sequence change replaces arginine, which is basic and polar, with cysteine, which is neutral and slightly polar, at codon 20 of the BMPR1A protein (p.Arg20Cys). This variant is not present in population databases (gnomAD no frequency). This missense change has been observed in individual(s) with BMPR1A-related conditions (PMID: 25186627). ClinVar contains an entry for this variant (Variation ID: 460507). Invitae Evidence Modeling incorporating data from in vitro experimental studies (internal data) indicates that this missense variant is not expected to disrupt BMPR1A function with a negative predictive value of 95%. In summary, the available evidence is currently insufficient to determine the role of this variant in disease. Therefore, it has been classified as a Variant of Uncertain Significance.

All of Us Research Program, National Institutes of Health
Classification: Uncertain significance for Juvenile polyposis syndrome. Last evaluated: 2024-04-16. Review status: criteria provided, single submitter. Criteria: ACMG Guidelines, 2015. Collection method: clinical testing. Allele origin: germline. Inheritance: Autosomal dominant inheritance. Observed: 2 variant alleles, 2 heterozygotes.
Comment: This missense variant replaces arginine with cysteine at codon 20 of the BMPR1A protein. Computational prediction suggests that this variant may not impact protein structure and function (internally defined REVEL score threshold <= 0.5, PMID: 27666373). To our knowledge, functional studies have not been reported for this variant. This variant has not been reported in individuals affected with BMPR1A-related disorders in the literature. This variant has not been identified in the general population by the Genome Aggregation Database (gnomAD). The available evidence is insufficient to determine the role of this variant in disease conclusively. Therefore, this variant is classified as a Variant of Uncertain Significance.

This study involves interpretation of variants in research participants for the purpose of population health screening. Participant phenotype was not available at the time of variant classification. Additional details can be found in publication PMID: 35346344, PMCID: PMC8962531

Ambry Genetics
Classification: Uncertain significance for Hereditary cancer-predisposing syndrome. Last evaluated: 2024-04-10. Review status: criteria provided, single submitter. Criteria: Ambry Variant Classification Scheme 2023. Collection method: clinical testing. Allele origin: germline.
Comment: The p.R20C variant (also known as c.58C>T), located in coding exon 1 of the BMPR1A gene, results from a C to T substitution at nucleotide position 58. The arginine at codon 20 is replaced by cysteine, an amino acid with highly dissimilar properties. This amino acid position is poorly conserved in available vertebrate species. In addition, this alteration is predicted to be tolerated by in silico analysis. Since supporting evidence is limited at this time, the clinical significance of this alteration remains unclear.

Color Diagnostics, LLC DBA Color Health
Classification: Uncertain significance for Hereditary cancer-predisposing syndrome. Last evaluated: 2024-03-28. Review status: criteria provided, single submitter. Criteria: ACMG Guidelines, 2015. Collection method: clinical testing. Allele origin: germline.
Comment: This missense variant replaces arginine with cysteine at codon 20 of the BMPR1A protein. Computational prediction suggests that this variant may not impact protein structure and function (internally defined REVEL score threshold <= 0.5, PMID: 27666373). To our knowledge, functional studies have not been reported for this variant. This variant has not been reported in individuals affected with BMPR1A-related disorders in the literature. This variant has not been identified in the general population by the Genome Aggregation Database (gnomAD). The available evidence is insufficient to determine the role of this variant in disease conclusively. Therefore, this variant is classified as a Variant of Uncertain Significance.

Fulgent Genetics
Classification: Uncertain significance for Juvenile polyposis syndrome; Polyposis syndrome, hereditary mixed, 2. Last evaluated: 2024-03-05. Review status: criteria provided, single submitter. Criteria: ACMG Guidelines, 2015. Collection method: clinical testing. Allele origin: germline.

Literature cited by the submitters: PubMed 25186627 (cited by Labcorp Genetics (formerly Invitae), Labcorp).

NM_004329.3(BMPR1A):c.58C>T (p.Arg20Cys)

Gene: BMPR1A (bone morphogenetic protein receptor type 1A; plus strand). Cytogenetic location: 10q23.2.
Variant type: single nucleotide variant.
Coding change: c.58C>T on transcript NM_004329.3 (MANE Select); coding-DNA position 58, C replaced by T.
Protein change: p.Arg20Cys; replaces arginine 20 with cysteine.
Molecular consequence: missense variant.
Genome position (GRCh38, 1-based): chr10:86,876,076, C>T. VCF-style: chr10-86876076-C-T. GRCh37 (hg19) VCF-style: chr10-88635833-C-T.
Other names: short protein forms R20C.
Identifiers: ClinVar variation 460507 (VCV000460507.25), dbSNP rs1472397694, ClinGen allele CA377774860.